The following is an entry in ClinVar:

ClinVar aggregate classification (germline): Pathogenic (1 of 4 stars; one submission).

Conditions:
2-aminoadipic 2-oxoadipic aciduria (AAKAD). Also called: ALPHA-AMINOADIPIC AND ALPHA-KETOADIPIC ACIDURIA; Aminoadipic aciduria. Identifiers: Orphanet 79154, MedGen C1859817, MONDO:0008774, OMIM 204750.

Submission:

Labcorp Genetics (formerly Invitae), Labcorp
Classification: Pathogenic for 2-aminoadipic 2-oxoadipic aciduria. Last evaluated: 2023-05-26. Review status: criteria provided, single submitter. Criteria: Invitae Variant Classification Sherloc (09022015). Collection method: clinical testing. Allele origin: germline.
Comment: For these reasons, this variant has been classified as Pathogenic. Algorithms developed to predict the effect of sequence changes on RNA splicing suggest that this variant may create or strengthen a splice site. This variant has not been reported in the literature in individuals affected with DHTKD1-related conditions. This variant is not present in population databases (gnomAD no frequency). This sequence change creates a premature translational stop signal (p.Gln557*) in the DHTKD1 gene. It is expected to result in an absent or disrupted protein product. Loss-of-function variants in DHTKD1 are known to be pathogenic (PMID: 23141293, 25860818).

Literature cited by the submitters: PubMed 23141293; PubMed 25860818.

NM_018706.7(DHTKD1):c.1669C>T (p.Gln557Ter)

Gene: DHTKD1 (dehydrogenase E1 and transketolase domain containing 1; plus strand). Cytogenetic location: 10p14.
Variant type: single nucleotide variant.
Coding change: c.1669C>T on transcript NM_018706.7 (MANE Select); coding-DNA position 1669, C replaced by T.
Protein change: p.Gln557Ter; replaces glutamine 557 with a stop codon.
Molecular consequence: nonsense.
Genome position (GRCh38, 1-based): chr10:12,097,994, C>T. VCF-style: chr10-12097994-C-T. GRCh37 (hg19) VCF-style: chr10-12139993-C-T.
Other names: short protein forms Q557*.
Identifiers: ClinVar variation 2725954 (VCV002725954.3), dbSNP rs2491492247, ClinGen allele CA376021785.
Genomic context (GRCh38, chr10:12,097,994, plus strand): 5'-AAGTCTGTAGAGGTGCCAAGAGAGCTGCAGATGCACAGTCACCTGCTGAAGACACATGTT[C>T]AGGTGGGCAGCCTCCAAATGGCTGGTTATTGCTTCTCCTTCCTGCTCAGCAAAGGAGCTG-3'